The following is an entry in ClinVar:

NM_000337.6(SGCD):c.437G>T (p.Gly146Val)

Gene: SGCD (sarcoglycan delta; plus strand). Cytogenetic location: 5q33.3.
Variant type: single nucleotide variant.
Coding change: c.437G>T on transcript NM_000337.6 (MANE Select); coding-DNA position 437, G replaced by T.
Protein change: p.Gly146Val; replaces glycine 146 with valine.
Molecular consequence: missense variant.
Genome position (GRCh38, 1-based): chr5:156,594,986, G>T. VCF-style: chr5-156594986-G-T. GRCh37 (hg19) VCF-style: chr5-156021996-G-T.
Other names: c.434G>T, p.Gly145Val (NM_001128209.2); c.437G>T, p.Gly146Val (NM_172244.3); short protein forms G146V, G145V.
Identifiers: ClinVar variation 532694 (VCV000532694.7), dbSNP rs1438925313, ClinGen allele CA362010517.

ClinVar aggregate classification (germline): Uncertain significance (1 of 4 stars; one submission).

Conditions:
Autosomal recessive limb-girdle muscular dystrophy type 2F (LGMDR6). Also called: Muscular dystrophy limb-girdle with delta-sarcoglyan deficiency; MUSCULAR DYSTROPHY, LIMB-GIRDLE, AUTOSOMAL RECESSIVE 6. Identifiers: Orphanet 219, MedGen C1832525, MONDO:0011028, OMIM 601287. Disease mechanism: Affects gamma-sarcoglycan and also disrupts the integrity of the entire sarcoglycan complex..

Submission:

Labcorp Genetics (formerly Invitae), Labcorp
Classification: Uncertain significance for Autosomal recessive limb-girdle muscular dystrophy type 2F. Last evaluated: 2021-10-14. Review status: criteria provided, single submitter. Criteria: Invitae Variant Classification Sherloc (09022015). Collection method: clinical testing. Allele origin: germline.
Comment: In summary, the available evidence is currently insufficient to determine the role of this variant in disease. Therefore, it has been classified as a Variant of Uncertain Significance. Algorithms developed to predict the effect of missense changes on protein structure and function are either unavailable or do not agree on the potential impact of this missense change (SIFT: "Deleterious"; PolyPhen-2: "Possibly Damaging"; Align-GVGD: "Class C0"). ClinVar contains an entry for this variant (Variation ID: 532694). This variant has not been reported in the literature in individuals affected with SGCD-related conditions. This variant is not present in population databases (ExAC no frequency). This sequence change replaces glycine with valine at codon 146 of the SGCD protein (p.Gly146Val). The glycine residue is moderately conserved and there is a moderate physicochemical difference between glycine and valine.